The following is an entry in ClinVar:

ClinVar aggregate classification (germline): Uncertain significance. Review status: criteria provided, multiple submitters, no conflicts (2 of 4 stars). 2 submissions from 2 submitters: Uncertain significance (2). Last evaluated 2026-05-16.

Conditions:
Inborn genetic diseases. Identifiers: MedGen C0950123, MeSH D030342.

Submissions (2):

Ambry Genetics
Classification: Uncertain significance for Inborn genetic diseases. Last evaluated: 2026-05-16. Review status: criteria provided, single submitter. Criteria: Ambry Variant Classification Scheme 2023. Collection method: clinical testing. Allele origin: germline.
Comment: The p.T1356I variant (also known as c.4067C>T), located in coding exon 1 of the SAMD9L gene, results from a C to T substitution at nucleotide position 4067. The threonine at codon 1356 is replaced by isoleucine, an amino acid with similar properties. This amino acid position is conserved. In addition, this alteration is predicted to be tolerated by in silico analysis. Based on the available evidence, the clinical significance of this variant remains unclear.

Labcorp Genetics (formerly Invitae), Labcorp
Classification: Uncertain significance. Last evaluated: 2023-12-25. Review status: criteria provided, single submitter. Criteria: Invitae Variant Classification Sherloc (09022015). Collection method: clinical testing. Allele origin: germline.
Comment: This sequence change replaces threonine, which is neutral and polar, with isoleucine, which is neutral and non-polar, at codon 1356 of the SAMD9L protein (p.Thr1356Ile). This variant is not present in population databases (gnomAD no frequency). This variant has not been reported in the literature in individuals affected with SAMD9L-related conditions. Advanced modeling of protein sequence and biophysical properties (such as structural, functional, and spatial information, amino acid conservation, physicochemical variation, residue mobility, and thermodynamic stability) performed at Invitae indicates that this missense variant is not expected to disrupt SAMD9L protein function with a negative predictive value of 80%. In summary, the available evidence is currently insufficient to determine the role of this variant in disease. Therefore, it has been classified as a Variant of Uncertain Significance.

NM_152703.5(SAMD9L):c.4067C>T (p.Thr1356Ile)

Gene: SAMD9L (sterile alpha motif domain containing 9 like; minus strand). Cytogenetic location: 7q21.2.
Variant type: single nucleotide variant.
Coding change: c.4067C>T on transcript NM_152703.5 (MANE Select); coding-DNA position 4067, C replaced by T.
Protein change: p.Thr1356Ile; replaces threonine 1356 with isoleucine.
Molecular consequence: missense variant.
Genome position (GRCh38, 1-based): chr7:93,131,905, G>A on the plus strand (C>T on the coding strand, the complement: SAMD9L is on the minus strand). VCF-style: chr7-93131905-G-A. GRCh37 (hg19) VCF-style: chr7-92761218-G-A.
Other names: c.4067C>T (NM_152703.2); c.4067C>T, p.Thr1356Ile (NM_001303496.3, NM_001303497.3, NM_001303498.3 and 5 more transcripts); short protein forms T1356I.
Identifiers: ClinVar variation 2705557 (VCV002705557.4), dbSNP rs2535406594, ClinGen allele CA368177595.